The following is an entry in ClinVar:

ClinVar aggregate classification (germline): Uncertain significance (1 of 4 stars; one submission).

Allele frequency attached by ClinVar (database versions not stated): TOPMed below 0.00001.
gnomAD v4.1: 26 of 1,533,160 alleles (0.0017%); highest among the groups gnomAD compares: Non-Finnish European, 0.0023%; no homozygotes.

Submission:

Labcorp Genetics (formerly Invitae), Labcorp
Classification: Uncertain significance. Last evaluated: 2022-12-30. Review status: criteria provided, single submitter. Criteria: Invitae Variant Classification Sherloc (09022015). Collection method: clinical testing. Allele origin: germline.
Comment: This variant is present in population databases (no rsID available, gnomAD 0.002%). This sequence change falls in intron 14 of the CARMIL2 gene. It does not directly change the encoded amino acid sequence of the CARMIL2 protein. It affects a nucleotide within the consensus splice site. This variant has not been reported in the literature in individuals affected with CARMIL2-related conditions. In summary, the available evidence is currently insufficient to determine the role of this variant in disease. Therefore, it has been classified as a Variant of Uncertain Significance. Variants that disrupt the consensus splice site are a relatively common cause of aberrant splicing (PMID: 17576681, 9536098). Algorithms developed to predict the effect of sequence changes on RNA splicing suggest that this variant may disrupt the consensus splice site.

Literature cited by the submitters: PubMed 17576681; PubMed 9536098.

NM_001013838.3(CARMIL2):c.1335-3C>G

Gene: CARMIL2 (capping protein regulator and myosin 1 linker 2; plus strand). Cytogenetic location: 16q22.1.
Variant type: single nucleotide variant.
Coding change: c.1335-3C>G on transcript NM_001013838.3 (MANE Select); 3 bases into the intron before coding-DNA position 1335, C replaced by G.
Molecular consequence: intron variant.
Genome position (GRCh38, 1-based): chr16:67,648,395, C>G. VCF-style: chr16-67648395-C-G. GRCh37 (hg19) VCF-style: chr16-67682298-C-G.
Other names: c.1227-3C>G (NM_001317026.3).
Identifiers: ClinVar variation 2991714 (VCV002991714.3), dbSNP rs184690779, ClinGen allele CA623120629.
Genomic context (GRCh38, chr16:67,648,395, plus strand): 5'-CCGGGGGAGGCTGCTGGAAGCCGCCTCCTTGCGGCCCCAGGCCCACCTTCCCACTTCCCC[C>G]AGGAAGTCCCGCGCCGCGCCGGCCGCGCTGCAGCTCTTCCTCAGCCGCGCGCGGACGCTG-3'